The following is an entry in ClinVar:

NM_001369.3(DNAH5):c.12909+135G>T

Gene: DNAH5 (dynein axonemal heavy chain 5; minus strand). Cytogenetic location: 5p15.2.
Variant type: single nucleotide variant.
Coding change: c.12909+135G>T on transcript NM_001369.3 (MANE Select); 135 bases into the intron after coding-DNA position 12909, G replaced by T.
Molecular consequence: intron variant.
Genome position (GRCh38, 1-based): chr5:13,716,352, C>A on the plus strand (G>T on the coding strand, the complement: DNAH5 is on the minus strand). VCF-style: chr5-13716352-C-A. GRCh37 (hg19) VCF-style: chr5-13716461-C-A.
Identifiers: ClinVar variation 1678859 (VCV001678859.2), dbSNP rs112104793, ClinGen allele CA113918531.

ClinVar aggregate classification (germline): Likely benign (1 of 4 stars; one submission).

Allele frequency attached by ClinVar (database versions not stated): gnomAD 0.00820 and 0.00875; TOPMed 0.00930; 1000 Genomes Project 0.00978; 1000 Genomes Project 30x 0.01109.
gnomAD v4.1: 1,756 of 689,032 alleles (0.25%); highest among the groups gnomAD compares: African/African-American, 2.8%; 19 homozygotes.

Submission:

GeneDx
Classification: Likely benign. Last evaluated: 2020-11-08. Review status: criteria provided, single submitter. Criteria: GeneDx Variant Classification Process June 2021. Collection method: clinical testing. Allele origin: germline. Affected: yes.
Comment: See Variant Classification Assertion Criteria.